The following is an entry in ClinVar:

ClinVar aggregate classification (germline): Uncertain significance (1 of 4 stars; one submission).

Conditions:
Charcot-Marie-Tooth disease type 2. Also called: Charcot-Marie-Tooth type 2. Identifiers: Orphanet 64746, MedGen C0270914, MONDO:0018993.

gnomAD v4.1: 1 of 1,614,118 alleles (0.000062%); highest among the groups gnomAD compares: Admixed American, 0.0017%; no homozygotes.

Submission:

Labcorp Genetics (formerly Invitae), Labcorp
Classification: Uncertain significance for Charcot-Marie-Tooth disease type 2. Last evaluated: 2024-04-25. Review status: criteria provided, single submitter. Criteria: Invitae Variant Classification Sherloc (09022015). Collection method: clinical testing. Allele origin: germline.
Comment: This sequence change replaces alanine, which is neutral and non-polar, with serine, which is neutral and polar, at codon 608 of the MFN2 protein (p.Ala608Ser). This variant is not present in population databases (gnomAD no frequency). This variant has not been reported in the literature in individuals affected with MFN2-related conditions. Advanced modeling of protein sequence and biophysical properties (such as structural, functional, and spatial information, amino acid conservation, physicochemical variation, residue mobility, and thermodynamic stability) performed at Invitae indicates that this missense variant is expected to disrupt MFN2 protein function with a positive predictive value of 80%. In summary, the available evidence is currently insufficient to determine the role of this variant in disease. Therefore, it has been classified as a Variant of Uncertain Significance.

NM_014874.4(MFN2):c.1822G>T (p.Ala608Ser)

Gene: MFN2 (mitofusin 2; plus strand). Cytogenetic location: 1p36.22.
Variant type: single nucleotide variant.
Coding change: c.1822G>T on transcript NM_014874.4 (MANE Select); coding-DNA position 1822, G replaced by T.
Protein change: p.Ala608Ser; replaces alanine 608 with serine.
Molecular consequence: missense variant.
Genome position (GRCh38, 1-based): chr1:12,006,643, G>T. VCF-style: chr1-12006643-G-T. GRCh37 (hg19) VCF-style: chr1-12066700-G-T.
Other names: c.1822G>T, p.Ala608Ser (NM_001127660.2); short protein forms A608S.
Identifiers: ClinVar variation 3681412 (VCV003681412.2).